The following is an entry in ClinVar:

NM_000388.4(CASR):c.3062C>A (p.Thr1021Lys)

Gene: CASR (calcium sensing receptor; plus strand). Cytogenetic location: 3q21.1.
Variant type: single nucleotide variant.
Coding change: c.3062C>A on transcript NM_000388.4 (MANE Select); coding-DNA position 3062, C replaced by A.
Protein change: p.Thr1021Lys; replaces threonine 1021 with lysine.
Molecular consequence: missense variant.
Genome position (GRCh38, 1-based): chr3:122,285,016, C>A. VCF-style: chr3-122285016-C-A. GRCh37 (hg19) VCF-style: chr3-122003863-C-A.
Other names: c.3092C>A, p.Thr1031Lys (NM_001178065.2); short protein forms T1021K, T1031K.
Identifiers: ClinVar variation 1060274 (VCV001060274.9), dbSNP rs759009566, ClinGen allele CA2569926.

ClinVar aggregate classification (germline): Uncertain significance (1 of 4 stars; one submission).

Conditions:
Autosomal dominant hypocalcemia 1 (HYPOC1). Also called: HYPOCALCEMIA, FAMILIAL. Identifiers: MedGen C3715128, MONDO:0011013, OMIM 601198.
Familial hypocalciuric hypercalcemia (FHH). Also called: Familial benign hypercalcemia. Identifiers: Orphanet 405, MedGen C1809471, MONDO:0018458.

Allele frequency attached by ClinVar (database versions not stated): ExAC 0.00001.
gnomAD v4.1: 5 of 1,614,092 alleles (0.00031%); highest among the groups gnomAD compares: East Asian, 0.0045%; no homozygotes.

Submission:

Labcorp Genetics (formerly Invitae), Labcorp
Classification: Uncertain significance for Familial hypocalciuric hypercalcemia; Autosomal dominant hypocalcemia 1. Last evaluated: 2024-10-29. Review status: criteria provided, single submitter. Criteria: Invitae Variant Classification Sherloc (09022015). Collection method: clinical testing. Allele origin: germline.
Comment: This sequence change replaces threonine, which is neutral and polar, with lysine, which is basic and polar, at codon 1021 of the CASR protein (p.Thr1021Lys). This variant is present in population databases (rs759009566, gnomAD 0.005%). This variant has not been reported in the literature in individuals affected with CASR-related conditions. ClinVar contains an entry for this variant (Variation ID: 1060274). An algorithm developed to predict the effect of missense changes on protein structure and function (PolyPhen-2) suggests that this variant is likely to be tolerated. In summary, the available evidence is currently insufficient to determine the role of this variant in disease. Therefore, it has been classified as a Variant of Uncertain Significance.